The following is an entry in ClinVar:

NM_001943.5(DSG2):c.3205A>T (p.Met1069Leu)

Genes: DSG2 (desmoglein 2; plus strand), DSG2-AS1 (DSG2 antisense RNA 1; minus strand). Cytogenetic location: 18q12.1.
Variant type: single nucleotide variant.
Coding change: c.3205A>T on transcript NM_001943.5 (MANE Select); coding-DNA position 3205, A replaced by T.
Protein change: p.Met1069Leu; replaces methionine 1069 with leucine.
Molecular consequence: missense variant.
Genome position (GRCh38, 1-based): chr18:31,546,591, A>T. VCF-style: chr18-31546591-A-T. GRCh37 (hg19) VCF-style: chr18-29126554-A-T.
Other names: short protein forms M1069L.
Identifiers: ClinVar variation 4812152 (VCV004812152.1).
Genomic context (GRCh38, chr18:31,546,591, plus strand): 5'-AGAGTTCTAGCACCTGCTTCCACTCTGCAATCCAGTTACCAGATTCCCACTGAAAATTCT[A>T]TGACGGCTAGGAACACCACGGTGTCTGGAGCTGGAGTCCCTGGCCCTCTGCCAGATTTTG-3'
Protein context (NP_001934.2, residues 1059-1079): SSYQIPTENS[Met1069Leu]TARNTTVSGA

ClinVar aggregate classification (germline): Uncertain significance (1 of 4 stars; one submission).

Conditions:
Arrhythmogenic right ventricular dysplasia 10. Also called: Arrhythmogenic Right Ventricular Dysplasia/Cardiomyopathy10; ARRHYTHMOGENIC RIGHT VENTRICULAR DYSPLASIA, FAMILIAL, 10; Arrhythmogenic right ventricular dysplasia/cardiomyopathy, type 10. Identifiers: MedGen C1857777, MONDO:0012434, OMIM 610193.

Submission:

Labcorp Genetics (formerly Invitae), Labcorp
Classification: Uncertain significance for Arrhythmogenic right ventricular dysplasia 10. Last evaluated: 2026-01-19. Review status: criteria provided, single submitter. Criteria: Invitae Variant Classification Sherloc (09022015). Collection method: clinical testing. Allele origin: germline.
Comment: This sequence change replaces methionine, which is neutral and non-polar, with leucine, which is neutral and non-polar, at codon 1069 of the DSG2 protein (p.Met1069Leu). This variant is not present in population databases (gnomAD no frequency). This variant has not been reported in the literature in individuals affected with DSG2-related conditions. Invitae Evidence Modeling of protein sequence and biophysical properties (such as structural, functional, and spatial information, amino acid conservation, physicochemical variation, residue mobility, and thermodynamic stability) indicates that this missense variant is not expected to disrupt DSG2 protein function with a negative predictive value of 95%. In summary, the available evidence is currently insufficient to determine the role of this variant in disease. Therefore, it has been classified as a Variant of Uncertain Significance.